The following is an entry in ClinVar:

ClinVar aggregate classification (germline): Uncertain significance. Review status: criteria provided, multiple submitters, no conflicts (2 of 4 stars). 2 submissions from 2 submitters: Uncertain significance (2). Last evaluated 2025-04-04.

Conditions:
Inborn genetic diseases. Identifiers: MedGen C0950123, MeSH D030342.
Progressive myoclonic epilepsy. Also called: Myoclonic Epilepsies, Progressive; Familial progressive myoclonic epilepsy; Myoclonus epilepsy; Progressive myoclonus epilepsy. Identifiers: Orphanet 308, Orphanet 98261, MedGen C0751778, MONDO:0020074.

Allele frequency attached by ClinVar (database versions not stated): gnomAD 0.00001; ExAC 0.00002; gnomAD exomes 0.00002.
gnomAD v4.1: 13 of 1,613,890 alleles (0.00081%); highest among the groups gnomAD compares: Middle Eastern, 0.016%; no homozygotes.

Submissions (2):

Ambry Genetics
Classification: Uncertain significance for Inborn genetic diseases. Last evaluated: 2025-04-04. Review status: criteria provided, single submitter. Criteria: Ambry Variant Classification Scheme 2023. Collection method: clinical testing. Allele origin: germline.

Labcorp Genetics (formerly Invitae), Labcorp
Classification: Uncertain significance for Progressive myoclonic epilepsy. Last evaluated: 2022-10-20. Review status: criteria provided, single submitter. Criteria: Invitae Variant Classification Sherloc (09022015). Collection method: clinical testing. Allele origin: germline.
Comment: In summary, the available evidence is currently insufficient to determine the role of this variant in disease. Therefore, it has been classified as a Variant of Uncertain Significance. Advanced modeling of protein sequence and biophysical properties (such as structural, functional, and spatial information, amino acid conservation, physicochemical variation, residue mobility, and thermodynamic stability) performed at Invitae indicates that this missense variant is not expected to disrupt SCARB2 protein function. This variant has not been reported in the literature in individuals affected with SCARB2-related conditions. This variant is present in population databases (rs747444083, gnomAD 0.03%). This sequence change replaces valine, which is neutral and non-polar, with isoleucine, which is neutral and non-polar, at codon 268 of the SCARB2 protein (p.Val268Ile).

NM_005506.4(SCARB2):c.802G>A (p.Val268Ile)

Gene: SCARB2 (scavenger receptor class B member 2; minus strand). Cytogenetic location: 4q21.1.
Variant type: single nucleotide variant.
Coding change: c.802G>A on transcript NM_005506.4 (MANE Select); coding-DNA position 802, G replaced by A.
Protein change: p.Val268Ile; replaces valine 268 with isoleucine.
Molecular consequence: missense variant.
Genome position (GRCh38, 1-based): chr4:76,175,813, C>T on the plus strand (G>A on the coding strand, the complement: SCARB2 is on the minus strand). VCF-style: chr4-76175813-C-T. GRCh37 (hg19) VCF-style: chr4-77096966-C-T.
Other names: c.802G>A (NM_005506.3); c.373G>A, p.Val125Ile (NM_001204255.2); short protein forms V125I, V268I.
Identifiers: ClinVar variation 2171804 (VCV002171804.5), dbSNP rs747444083, ClinGen allele CA2970264.
Genomic context (GRCh38, chr4:76,175,813, plus strand): 5'-CTTATTTTTGAAAAAGAACTTATCTTTAAAGCTTTTACCTGCAAAAGTCAGATGGGAAGA[C>T]ATAAAGGACCTCATCTTTGGTTATTAGTGGGTGAAAAGAATCTCCATCTGTTCCATTAAT-3'
Protein context (NP_005497.1, residues 258-278): PLITKDEVLY[Val268Ile]FPSDFCRSVY